The following is an entry in ClinVar:

NM_006080.3(SEMA3A):c.1296A>G (p.Thr432=)

Gene: SEMA3A (semaphorin 3A; minus strand). Cytogenetic location: 7q21.11.
Variant type: single nucleotide variant.
Coding change: c.1296A>G on transcript NM_006080.3 (MANE Select); coding-DNA position 1296, A replaced by G.
Protein change: p.Thr432=; no amino-acid change (threonine 432 retained).
Molecular consequence: synonymous variant.
Genome position (GRCh38, 1-based): chr7:84,005,403, T>C on the plus strand (A>G on the coding strand, the complement: SEMA3A is on the minus strand). VCF-style: chr7-84005403-T-C. GRCh37 (hg19) VCF-style: chr7-83634719-T-C.
Identifiers: ClinVar variation 4994321 (VCV004994321.1).

ClinVar aggregate classification (germline): Likely benign (1 of 4 stars; one submission).

Conditions:
SEMA3A-related disorder. Also called: SEMA3A-related condition.

gnomAD v4.1: 3 of 1,613,956 alleles (0.00019%); highest among the groups gnomAD compares: Non-Finnish European, 0.00025%; no homozygotes.

Submission:

PreventionGenetics, part of Exact Sciences
Classification: Likely benign for SEMA3A-related condition. Last evaluated: 2025-09-03. Review status: criteria provided, single submitter. Criteria: ACMG Guidelines, 2015. Collection method: clinical testing. Allele origin: germline.
Comment: This variant is classified as likely benign based on ACMG/AMP sequence variant interpretation guidelines (Richards et al. 2015 PMID: 25741868, with internal and published modifications).